The following is an entry in ClinVar:

NM_005045.4(RELN):c.4912G>T (p.Ala1638Ser)

Gene: RELN (reelin; minus strand). Cytogenetic location: 7q22.1.
Variant type: single nucleotide variant.
Coding change: c.4912G>T on transcript NM_005045.4 (MANE Select); coding-DNA position 4912, G replaced by T.
Protein change: p.Ala1638Ser; replaces alanine 1638 with serine.
Molecular consequence: missense variant.
Genome position (GRCh38, 1-based): chr7:103,566,248, C>A on the plus strand (G>T on the coding strand, the complement: RELN is on the minus strand). VCF-style: chr7-103566248-C-A. GRCh37 (hg19) VCF-style: chr7-103206695-C-A.
Other names: c.4912G>T, p.Ala1638Ser (NM_173054.3); short protein forms A1638S.
Identifiers: ClinVar variation 2041681 (VCV002041681.4), dbSNP rs778831369, ClinGen allele CA4421381.
Genomic context (GRCh38, chr7:103,566,248, plus strand): 5'-TCAGATATTTTCCCTTTATCTGGTGACAATATATACCTATGTTTTCAGTGAATATCAGAG[C>A]AGTATCCATAGAGAGACAGTCAATATCAACTTGACCTCCTTGGATTCGATACCAGTTGGC-3'
Protein context (NP_005036.2, residues 1628-1648): VDIDCLSMDT[Ala1638Ser]LIFTENIGKP

ClinVar aggregate classification (germline): Uncertain significance (1 of 4 stars; one submission).

Conditions:
Norman-Roberts syndrome (LIS2). Also called: Lissencephaly 2 (Norman-Roberts type). Identifiers: Orphanet 89844, MedGen C0796089, MONDO:0009760, OMIM 257320.
Familial temporal lobe epilepsy 7. Identifiers: Orphanet 101046, MedGen C4225327, MONDO:0014639, OMIM 616436.

Allele frequency attached by ClinVar (database versions not stated): gnomAD exomes below 0.00001; ExAC 0.00001.
gnomAD v4.1: 2 of 1,613,694 alleles (0.00012%); highest among the groups gnomAD compares: Non-Finnish European, 0.00017%; no homozygotes.

Submission:

Labcorp Genetics (formerly Invitae), Labcorp
Classification: Uncertain significance for Familial temporal lobe epilepsy 7; Norman-Roberts syndrome. Last evaluated: 2022-11-08. Review status: criteria provided, single submitter. Criteria: Invitae Variant Classification Sherloc (09022015). Collection method: clinical testing. Allele origin: germline.
Comment: In summary, the available evidence is currently insufficient to determine the role of this variant in disease. Therefore, it has been classified as a Variant of Uncertain Significance. Advanced modeling of protein sequence and biophysical properties (such as structural, functional, and spatial information, amino acid conservation, physicochemical variation, residue mobility, and thermodynamic stability) performed at Invitae indicates that this missense variant is not expected to disrupt RELN protein function. This variant has not been reported in the literature in individuals affected with RELN-related conditions. This variant is present in population databases (rs778831369, gnomAD 0.0009%). This sequence change replaces alanine, which is neutral and non-polar, with serine, which is neutral and polar, at codon 1638 of the RELN protein (p.Ala1638Ser).